The following is an entry in ClinVar:

NM_000524.4(HTR1A):c.82A>G (p.Ile28Val)

Gene: HTR1A (5-hydroxytryptamine receptor 1A; minus strand). Cytogenetic location: 5q12.3.
Variant type: single nucleotide variant.
Coding change: c.82A>G on transcript NM_000524.4 (MANE Select); coding-DNA position 82, A replaced by G.
Protein change: p.Ile28Val; replaces isoleucine 28 with valine.
Molecular consequence: missense variant.
Genome position (GRCh38, 1-based): chr5:63,961,638, T>C on the plus strand (A>G on the coding strand, the complement: HTR1A is on the minus strand). VCF-style: chr5-63961638-T-C. GRCh37 (hg19) VCF-style: chr5-63257465-T-C.
Other names: short protein forms I28V.
Identifiers: ClinVar variation 771709 (VCV000771709.34), dbSNP rs1799921, ClinGen allele CA3280974.

ClinVar aggregate classification (germline): Benign. Review status: criteria provided, multiple submitters, no conflicts (2 of 4 stars). 3 submissions from 3 submitters: Benign (3). Last evaluated 2025-03-01.

Allele frequency attached by ClinVar (database versions not stated): 1000 Genomes Project 0.00399; 1000 Genomes Project 30x 0.00422; ExAC 0.00889; TOPMed 0.00901; gnomAD 0.00934 and 0.00944; gnomAD exomes 0.00940 and 0.01173; ESP Exome Variant Server 0.00984.
gnomAD v4.1: 18,524 of 1,613,872 alleles (1.1%); highest among the groups gnomAD compares: Middle Eastern, 1.8%; 130 homozygotes.

Submissions (3):

CeGaT Center for Human Genetics Tuebingen
Classification: Benign. Last evaluated: 2025-03-01. Review status: criteria provided, single submitter. Criteria: CeGaT Center For Human Genetics Tuebingen Variant Classification Criteria Version 2. Collection method: clinical testing. Allele origin: germline. Affected: yes. Observed: 22 variant alleles.
Comment: HTR1A: BP4, BS1, BS2

Labcorp Genetics (formerly Invitae), Labcorp
Classification: Benign. Last evaluated: 2019-12-31. Review status: criteria provided, single submitter. Criteria: Invitae Variant Classification Sherloc (09022015). Collection method: clinical testing. Allele origin: germline.

Breakthrough Genomics
Classification: Benign. Review status: criteria provided, single submitter. Criteria: ACMG Guidelines, 2015. Collection method: not provided. Allele origin: germline. Inheritance: Autosomal dominant inheritance. Affected: yes.